The following is an entry in ClinVar:

NM_000271.5(NPC1):c.3175C>T (p.Arg1059Ter)

Gene: NPC1 (NPC intracellular cholesterol transporter 1; minus strand). Cytogenetic location: 18q11.2.
Variant type: single nucleotide variant.
Coding change: c.3175C>T on transcript NM_000271.5 (MANE Select); coding-DNA position 3175, C replaced by T.
Protein change: p.Arg1059Ter; replaces arginine 1059 with a stop codon.
Molecular consequence: nonsense.
Genome position (GRCh38, 1-based): chr18:23,536,743, G>A on the plus strand (C>T on the coding strand, the complement: NPC1 is on the minus strand). VCF-style: chr18-23536743-G-A. GRCh37 (hg19) VCF-style: chr18-21116707-G-A.
Other names: short protein forms R1059*.
Identifiers: ClinVar variation 188769 (VCV000188769.11), dbSNP rs786204455, ClinGen allele CA273933.

ClinVar aggregate classification (germline): Pathogenic. Review status: criteria provided, multiple submitters, no conflicts (2 of 4 stars). 5 submissions from 5 submitters: Pathogenic (2). 3 of the submissions do not count toward it. Last evaluated 2024-03-01.

Conditions:
Niemann-Pick disease, type C (NPC). Identifiers: Orphanet 646, MedGen C0220756, MONDO:0018982.
Niemann-Pick disease, type C1. Also called: NEUROVISCERAL STORAGE DISEASE WITH VERTICAL SUPRANUCLEAR OPHTHALMOPLEGIA; NIEMANN-PICK DISEASE WITH CHOLESTEROL ESTERIFICATION BLOCK; NIEMANN-PICK DISEASE WITHOUT SPHINGOMYELINASE DEFICIENCY; NIEMANN-PICK DISEASE, CHRONIC NEURONOPATHIC FORM; NIEMANN-PICK DISEASE, VARIANT TYPE C1. Identifiers: Orphanet 646, MedGen C3179455, MONDO:0009757, OMIM 257220.

Allele frequency attached by ClinVar (database versions not stated): gnomAD exomes below 0.00001; gnomAD 0.00001; TOPMed 0.00001.
gnomAD v4.1: 6 of 1,614,018 alleles (0.00037%); highest among the groups gnomAD compares: Non-Finnish European, 0.00034%; no homozygotes.

Submissions (5):

Labcorp Genetics (formerly Invitae), Labcorp
Classification: Pathogenic for Niemann-Pick disease, type C1. Last evaluated: 2024-03-01. Review status: criteria provided, single submitter. Criteria: Invitae Variant Classification Sherloc (09022015). Collection method: clinical testing. Allele origin: germline.
Comment: This sequence change creates a premature translational stop signal (p.Arg1059*) in the NPC1 gene. It is expected to result in an absent or disrupted protein product. Loss-of-function variants in NPC1 are known to be pathogenic (PMID: 9211850). This variant is not present in population databases (gnomAD no frequency). This premature translational stop signal has been observed in individual(s) with Niemann-Pick disease type C (PMID: 16098014, 26666848). ClinVar contains an entry for this variant (Variation ID: 188769). For these reasons, this variant has been classified as Pathogenic.

Women's Health and Genetics/Laboratory Corporation of America, LabCorp
Classification: Pathogenic for Niemann-Pick disease, type C. Last evaluated: 2020-06-04. Review status: criteria provided, single submitter. Criteria: LabCorp Variant Classification Summary - May 2015. Collection method: clinical testing. Allele origin: germline.
Comment: Variant summary: NPC1 c.3175C>T (p.Arg1059X) results in a premature termination codon. This variant has been shown to result in nonsense-mediated decay in patient fibroblasts (Macias-Vidal_2009). Truncations downstream of this position have been classified as pathogenic by our laboratory. The variant was absent in 251422 control chromosomes. c.3175C>T has been reported in the literature in individuals affected with Niemann-Pick Disease Type C (Fernandez-Valero_2005, Imrie_2015). These data indicate that the variant is likely to be associated with disease. One clinical diagnostic laboratory has submitted clinical-significance assessments for this variant to ClinVar after 2014 without evidence for independent evaluation. One laboratory classified the variant as pathogenic. Based on the evidence outlined above, the variant was classified as pathogenic.

Natera, Inc.
Classification: Pathogenic for Niemann-Pick disease type C1. Last evaluated: 2021-03-22. Review status: no assertion criteria provided. Collection method: clinical testing. Allele origin: germline. Not counted in ClinVar's aggregate classification.

Division of Human Genetics, Children's Hospital of Philadelphia
Classification: Pathogenic for Niemann-Pick disease, type C1. Last evaluated: 2015-09-29. Review status: no assertion criteria provided. Collection method: research. Allele origin: germline. Study: CSER-PediSeq. Not counted in ClinVar's aggregate classification.

Counsyl
Classification: Likely pathogenic for Niemann-Pick disease type C1. Last evaluated: 2014-04-29. Review status: no assertion criteria provided. Collection method: literature only. Allele origin: unknown. Inheritance: Autosomal recessive inheritance. Not counted in ClinVar's aggregate classification.

Literature cited by the submitters: PubMed 9211850 (cited by Labcorp Genetics (formerly Invitae), Labcorp); PubMed 16098014 (cited by 4 submitters); PubMed 26666848 (cited by Labcorp Genetics (formerly Invitae), Labcorp and Women's Health and Genetics/Laboratory Corporation of America, LabCorp); PubMed 19223215 (cited by 3 submitters); PubMed 25131710 (cited by Women's Health and Genetics/Laboratory Corporation of America, LabCorp); PubMed 17160617 (cited by Division of Human Genetics, Children's Hospital of Philadelphia and Counsyl).